The following is an entry in ClinVar:

NM_001844.5(COL2A1):c.1554del (p.Gly519fs)

Gene: COL2A1 (collagen type II alpha 1 chain; minus strand). Cytogenetic location: 12q13.11.
Variant type: Deletion.
Coding change: c.1554del on transcript NM_001844.5 (MANE Select); coding-DNA position 1554, one base deleted (A; older notation c.1554delA).
Protein change: p.Gly519fs; shifts the reading frame from glycine 519.
Molecular consequence: frameshift variant.
Genome position (GRCh38, 1-based): chr12:47,985,939, T deleted on the plus strand (A on the coding strand, the reverse complement: COL2A1 is on the minus strand). VCF-style (leftmost placement, unchanged base first): chr12-47985938-CT-C. GRCh37 (hg19) VCF-style: chr12-48379721-CT-C.
Other names: c.1347del, p.Gly450fs (NM_033150.3); short protein forms G450fs, G519fs.
Identifiers: ClinVar variation 4891088 (VCV004891088.1).

ClinVar aggregate classification (germline): Likely pathogenic (1 of 4 stars; one submission).

Conditions:
COL2A1-related disorder. Also called: COL2A1-related condition; COL2A1-related disorders.

Submission:

Greenwood Genetic Center Diagnostic Laboratories, Greenwood Genetic Center
Classification: Likely pathogenic for COL2A1-related disorder. Last evaluated: 2026-05-19. Review status: criteria provided, single submitter. Criteria: ACMG Guidelines, 2015. Collection method: clinical testing. Allele origin: germline. Affected: yes.
Comment: PVS1, PM2